The following is an entry in ClinVar:

NM_016169.4(SUFU):c.1259A>G (p.Glu420Gly)

Gene: SUFU (SUFU negative regulator of hedgehog signaling; plus strand). Cytogenetic location: 10q24.32.
Variant type: single nucleotide variant.
Coding change: c.1259A>G on transcript NM_016169.4 (MANE Select); coding-DNA position 1259, A replaced by G.
Protein change: p.Glu420Gly; replaces glutamic acid 420 with glycine.
Molecular consequence: missense variant.
Genome position (GRCh38, 1-based): chr10:102,617,391, A>G. VCF-style: chr10-102617391-A-G. GRCh37 (hg19) VCF-style: chr10-104377148-A-G.
Other names: c.1259A>G, p.Glu420Gly (NM_001178133.2); short protein forms E420G.
Identifiers: ClinVar variation 3802896 (VCV003802896.1).

ClinVar aggregate classification (germline): Uncertain significance (1 of 4 stars; one submission).

Conditions:
Hereditary cancer-predisposing syndrome. Also called: Neoplastic Syndromes, Hereditary; Hereditary Cancer Syndrome; Tumor predisposition; Hereditary neoplastic syndrome. Identifiers: Orphanet 140162, MedGen C0027672, MeSH D009386, MONDO:0015356.

Submission:

Ambry Genetics
Classification: Uncertain significance for Hereditary cancer-predisposing syndrome. Last evaluated: 2025-01-29. Review status: criteria provided, single submitter. Criteria: Ambry Variant Classification Scheme 2023. Collection method: clinical testing. Allele origin: germline.
Comment: The p.E420G variant (also known as c.1259A>G), located in coding exon 10 of the SUFU gene, results from an A to G substitution at nucleotide position 1259. The glutamic acid at codon 420 is replaced by glycine, an amino acid with similar properties. This amino acid position is conserved. In addition, the in silico prediction for this alteration is inconclusive. Based on the available evidence, the clinical significance of this variant remains unclear.